The following is an entry in ClinVar:

NM_020631.6(PLEKHG5):c.2390C>T (p.Thr797Met)

Gene: PLEKHG5 (pleckstrin homology and RhoGEF domain containing G5; minus strand). Cytogenetic location: 1p36.31.
Variant type: single nucleotide variant.
Coding change: c.2390C>T on transcript NM_020631.6 (MANE Select); coding-DNA position 2390, C replaced by T.
Protein change: p.Thr797Met; replaces threonine 797 with methionine.
Molecular consequence: missense variant.
Genome position (GRCh38, 1-based): chr1:6,468,446, G>A on the plus strand (C>T on the coding strand, the complement: PLEKHG5 is on the minus strand). VCF-style: chr1-6468446-G-A. GRCh37 (hg19) VCF-style: chr1-6528506-G-A.
Other names: c.2501C>T, p.Thr834Met (NM_001042663.3, NM_001265592.2); c.2390C>T, p.Thr797Met (NM_001042664.2, NM_001042665.2, NM_001265594.3 and 1 more transcripts); c.2597C>T, p.Thr866Met (NM_001265593.2); short protein forms T797M, T866M, T834M.
Identifiers: ClinVar variation 468907 (VCV000468907.15), dbSNP rs111724922, ClinGen allele CA561169.

ClinVar aggregate classification (germline): Uncertain significance. Review status: criteria provided, multiple submitters, no conflicts (2 of 4 stars). 5 submissions from 5 submitters: Uncertain significance (5). Last evaluated 2025-09-09.

Conditions:
Charcot-Marie-Tooth disease recessive intermediate C. Also called: CHARCOT-MARIE-TOOTH NEUROPATHY, RECESSIVE INTERMEDIATE C. Identifiers: Orphanet 369867, MedGen C3809309, MONDO:0014154, OMIM 615376.
Neuronopathy, distal hereditary motor, autosomal recessive 4. Also called: Autosomal recessive lower motor neuron disease with childhood onset; NEUROPATHY, DISTAL HEREDITARY MOTOR, AUTOSOMAL RECESSIVE 4. Identifiers: Orphanet 206580, MedGen C1970211, MONDO:0012608, OMIM 611067.
Inborn genetic diseases. Identifiers: MedGen C0950123, MeSH D030342.

Allele frequency attached by ClinVar (database versions not stated): ExAC 0.00007; TOPMed 0.00007; gnomAD 0.00009 and 0.00010; 1000 Genomes Project 0.00040; 1000 Genomes Project 30x 0.00047.
gnomAD v4.1: 79 of 1,612,936 alleles (0.0049%); highest among the groups gnomAD compares: African/African-American, 0.012%; no homozygotes.

Submissions (5):

Ambry Genetics
Classification: Uncertain significance for Inborn genetic diseases. Last evaluated: 2025-09-09. Review status: criteria provided, single submitter. Criteria: Ambry Variant Classification Scheme 2023. Collection method: clinical testing. Allele origin: germline.

Labcorp Genetics (formerly Invitae), Labcorp
Classification: Uncertain significance for Neuronopathy, distal hereditary motor, autosomal recessive 4; Charcot-Marie-Tooth disease recessive intermediate C. Last evaluated: 2022-07-11. Review status: criteria provided, single submitter. Criteria: Invitae Variant Classification Sherloc (09022015). Collection method: clinical testing. Allele origin: germline.
Comment: This sequence change replaces threonine, which is neutral and polar, with methionine, which is neutral and non-polar, at codon 797 of the PLEKHG5 protein (p.Thr797Met). This variant is present in population databases (rs111724922, gnomAD 0.02%). This variant has not been reported in the literature in individuals affected with PLEKHG5-related conditions. ClinVar contains an entry for this variant (Variation ID: 468907). Algorithms developed to predict the effect of missense changes on protein structure and function are either unavailable or do not agree on the potential impact of this missense change (SIFT: "Tolerated"; PolyPhen-2: "Probably Damaging"; Align-GVGD: "Class C0"). In summary, the available evidence is currently insufficient to determine the role of this variant in disease. Therefore, it has been classified as a Variant of Uncertain Significance.

GeneDx
Classification: Uncertain significance. Last evaluated: 2020-12-17. Review status: criteria provided, single submitter. Criteria: GeneDx Variant Classification Process June 2021. Collection method: clinical testing. Allele origin: germline. Affected: yes.
Comment: In silico analysis supports that this missense variant does not alter protein structure/function; Has not been previously published as pathogenic or benign to our knowledge

Baylor Genetics
Classification: Uncertain significance for Charcot-Marie-Tooth disease recessive intermediate C. Last evaluated: 2019-05-16. Review status: criteria provided, single submitter. Criteria: ACMG Guidelines, 2015. Collection method: clinical testing. Allele origin: maternal. Affected: yes.
Comment: This variant was determined to be of uncertain significance according to ACMG Guidelines, 2015 [PMID:25741868].

Breakthrough Genomics
Classification: Uncertain significance. Review status: criteria provided, single submitter. Criteria: ACMG Guidelines, 2015. Collection method: not provided. Allele origin: germline. Inheritance: Autosomal recessive inheritance. Affected: yes.